The following is an entry in ClinVar:

NM_153704.6(TMEM67):c.300C>A (p.Cys100Ter)

Gene: TMEM67 (transmembrane protein 67; plus strand). Cytogenetic location: 8q22.1.
Variant type: single nucleotide variant.
Coding change: c.300C>A on transcript NM_153704.6 (MANE Select); coding-DNA position 300, C replaced by A.
Protein change: p.Cys100Ter; replaces cysteine 100 with a stop codon.
Molecular consequence: nonsense. On other transcripts: non-coding transcript variant (1), intron variant (1).
Genome position (GRCh38, 1-based): chr8:93,755,854, C>A. VCF-style: chr8-93755854-C-A. GRCh37 (hg19) VCF-style: chr8-94768082-C-A.
Other names: c.-62+717C>A (NM_001142301.1); short protein forms C100*.
Identifiers: ClinVar variation 217712 (VCV000217712.5), dbSNP rs751309268, ClinGen allele CA277785.

ClinVar aggregate classification (germline): Pathogenic. Review status: criteria provided, multiple submitters, no conflicts (2 of 4 stars). 3 submissions from 3 submitters: Pathogenic (3). Last evaluated 2025-06-16.

Conditions:
Joubert syndrome 6 (JBTS6). Identifiers: Orphanet 475, MedGen C1853153, MONDO:0012539, OMIM 610688.
RHYNS syndrome. Also called: RETINITIS PIGMENTOSA SYNDROME; RETINITIS PIGMENTOSA, HYPOPITUITARISM, NEPHRONOPHTHISIS, AND MILD SKELETAL DYSPLASIA. Identifiers: Orphanet 140976, MedGen C1865794, MONDO:0011202, OMIM 602152.
Nephronophthisis 11 (NPHP11). Identifiers: Orphanet 84081, MedGen C3150796, MONDO:0013302, OMIM 613550.
Meckel syndrome, type 3 (MKS3). Also called: MECKEL-GRUBER SYNDROME, TYPE 3. Identifiers: Orphanet 564, MedGen C1846357, MONDO:0011821, OMIM 607361.
Bardet-Biedl syndrome 14 (BBS14). Identifiers: Orphanet 110, MedGen C2673874, MONDO:0014442, OMIM 615991.
COACH syndrome 1. Identifiers: Orphanet 1454, MedGen C5435651, MONDO:0800103, OMIM 216360, MONDO:0008996.
Meckel-Gruber syndrome. Also called: Dysencephalia splachnocystica; DYSENCEPHALIA SPLANCHNOCYSTICA; GRUBER SYNDROME. Identifiers: Orphanet 564, MedGen C0265215, MONDO:0018921.
Joubert syndrome. Also called: CEREBELLOPARENCHYMAL DISORDER IV; JOUBERT-BOLTSHAUSER SYNDROME; Familial aplasia of the vermis. Identifiers: Orphanet 475, MedGen C5979921, MONDO:0018772.

Allele frequency attached by ClinVar (database versions not stated): gnomAD exomes below 0.00001 and 0.00001; ExAC 0.00001; gnomAD 0.00001; TOPMed 0.00001.
gnomAD v4.1: 7 of 1,582,278 alleles (0.00044%); highest among the groups gnomAD compares: Non-Finnish European, 0.0006%; no homozygotes.

Submissions (3):

Labcorp Genetics (formerly Invitae), Labcorp
Classification: Pathogenic for Joubert syndrome; Meckel-Gruber syndrome. Last evaluated: 2025-06-16. Review status: criteria provided, single submitter. Criteria: Invitae Variant Classification Sherloc (09022015). Collection method: clinical testing. Allele origin: germline.
Comment: This sequence change creates a premature translational stop signal (p.Cys100*) in the TMEM67 gene. It is expected to result in an absent or disrupted protein product. Loss-of-function variants in TMEM67 are known to be pathogenic (PMID: 20232449, 23559409). This variant is present in population databases (rs751309268, gnomAD 0.002%). This premature translational stop signal has been observed in individual(s) with TMEM67-related conditions (PMID: 19574260, 26092869). ClinVar contains an entry for this variant (Variation ID: 217712). For these reasons, this variant has been classified as Pathogenic.

Fulgent Genetics
Classification: Pathogenic for COACH syndrome 1; RHYNS syndrome; Meckel syndrome, type 3; Joubert syndrome 6; Nephronophthisis 11; Bardet-Biedl syndrome 14. Last evaluated: 2021-12-08. Review status: criteria provided, single submitter. Criteria: ACMG Guidelines, 2015. Collection method: clinical testing. Allele origin: unknown.

UW Hindbrain Malformation Research Program, University of Washington
Classification: Pathogenic for Joubert syndrome 6. Last evaluated: 2015-02-23. Review status: criteria provided, single submitter. Criteria: Bachmann-Gagescu et al. (J Med Genet. 2015). Collection method: research. Allele origin: unknown. Affected: yes.

Literature cited by the submitters: PubMed 20232449 (cited by Labcorp Genetics (formerly Invitae), Labcorp); PubMed 23559409 (cited by Labcorp Genetics (formerly Invitae), Labcorp); PubMed 19574260 (cited by Labcorp Genetics (formerly Invitae), Labcorp); PubMed 26092869 (cited by Labcorp Genetics (formerly Invitae), Labcorp).